The following is an entry in ClinVar:

NM_001079866.2(BCS1L):c.908G>A (p.Gly303Asp)

Gene: BCS1L (BCS1 ubiquinol-cytochrome c reductase complex chaperone; plus strand). Cytogenetic location: 2q35.
Variant type: single nucleotide variant.
Coding change: c.908G>A on transcript NM_001079866.2 (MANE Select); coding-DNA position 908, G replaced by A.
Protein change: p.Gly303Asp; replaces glycine 303 with aspartic acid.
Molecular consequence: missense variant. On other transcripts: non-coding transcript variant (1).
Genome position (GRCh38, 1-based): chr2:218,662,901, G>A. VCF-style: chr2-218662901-G-A. GRCh37 (hg19) VCF-style: chr2-219527624-G-A.
Other names: c.908G>A, p.Gly303Asp (NM_001257342.2, NM_001257343.2, NM_001257344.2 and 10 more transcripts); c.548G>A, p.Gly183Asp (NM_001318836.2, NM_001371451.1); c.407G>A, p.Gly136Asp (NM_001371452.1, NM_001371453.1, NM_001371454.1 and 3 more transcripts); short protein forms G183D, G303D, G136D.
Identifiers: ClinVar variation 2868705 (VCV002868705.3), dbSNP rs2469893823, ClinGen allele CA350630736.
Genomic context (GRCh38, chr2:218,662,901, plus strand): 5'-GGCTATGACTACTCATGCTTCCTTATCTTTGCCTTCCTCCAGACCCAGTAAAGTACCAAG[G>A]CCTAGGTCGCCTCACCTTCAGTGGACTGCTCAATGCCTTGGATGGTGTGGCTTCCACCGA-3'
Protein context (NP_001073335.1, residues 293-313): LAVENPVKYQ[Gly303Asp]LGRLTFSGLL

ClinVar aggregate classification (germline): Uncertain significance (1 of 4 stars; one submission).

Submission:

Labcorp Genetics (formerly Invitae), Labcorp
Classification: Uncertain significance. Last evaluated: 2023-10-28. Review status: criteria provided, single submitter. Criteria: Invitae Variant Classification Sherloc (09022015). Collection method: clinical testing. Allele origin: germline.
Comment: This sequence change replaces glycine, which is neutral and non-polar, with aspartic acid, which is acidic and polar, at codon 303 of the BCS1L protein (p.Gly303Asp). This variant is not present in population databases (gnomAD no frequency). This variant has not been reported in the literature in individuals affected with BCS1L-related conditions. Advanced modeling of protein sequence and biophysical properties (such as structural, functional, and spatial information, amino acid conservation, physicochemical variation, residue mobility, and thermodynamic stability) performed at Invitae indicates that this missense variant is expected to disrupt BCS1L protein function with a positive predictive value of 95%. In summary, the available evidence is currently insufficient to determine the role of this variant in disease. Therefore, it has been classified as a Variant of Uncertain Significance.